The following is an entry in ClinVar:

NM_006659.4(TUBGCP2):c.2700C>T (p.Thr900=)

Gene: TUBGCP2 (tubulin gamma complex component 2; minus strand). Cytogenetic location: 10q26.3.
Variant type: single nucleotide variant.
Coding change: c.2700C>T on transcript NM_006659.4 (MANE Select); coding-DNA position 2700, C replaced by T.
Protein change: p.Thr900=; no amino-acid change (threonine 900 retained).
Molecular consequence: synonymous variant. On other transcripts: non-coding transcript variant (1).
Genome position (GRCh38, 1-based): chr10:133,279,775, G>A on the plus strand (C>T on the coding strand, the complement: TUBGCP2 is on the minus strand). VCF-style: chr10-133279775-G-A. GRCh37 (hg19) VCF-style: chr10-135093279-G-A.
Other names: c.2784C>T, p.Thr928= (NM_001256617.2); c.2310C>T, p.Thr770= (NM_001256618.2).
Identifiers: ClinVar variation 3032719 (VCV003032719.2), dbSNP rs749253324, ClinGen allele CA5763366.

ClinVar aggregate classification (germline): Likely benign (0 of 4 stars; one submission).

Conditions:
TUBGCP2-related disorder. Also called: TUBGCP2-related condition.

Allele frequency attached by ClinVar (database versions not stated): gnomAD exomes 0.00004; gnomAD 0.00005; ExAC 0.00006; TOPMed 0.00010.
gnomAD v4.1: 62 of 1,558,660 alleles (0.004%); highest among the groups gnomAD compares: Admixed American, 0.075%; 1 homozygote.

Submission:

PreventionGenetics, part of Exact Sciences
Classification: Likely benign for TUBGCP2-related condition. Last evaluated: 2022-09-27. Review status: no assertion criteria provided. Collection method: clinical testing. Allele origin: germline.
Comment: This variant is classified as likely benign based on ACMG/AMP sequence variant interpretation guidelines (Richards et al. 2015 PMID: 25741868, with internal and published modifications).